The following is an entry in ClinVar:

ClinVar aggregate classification (germline): Uncertain significance (1 of 4 stars; one submission).

Submission:

Labcorp Genetics (formerly Invitae), Labcorp
Classification: Uncertain significance. Last evaluated: 2022-08-19. Review status: criteria provided, single submitter. Criteria: Invitae Variant Classification Sherloc (09022015). Collection method: clinical testing. Allele origin: germline.
Comment: This sequence change replaces serine, which is neutral and polar, with threonine, which is neutral and polar, at codon 61 of the TTC37 protein (p.Ser61Thr). This variant is not present in population databases (gnomAD no frequency). This variant has not been reported in the literature in individuals affected with TTC37-related conditions. ClinVar contains an entry for this variant (Variation ID: 1366260). Algorithms developed to predict the effect of missense changes on protein structure and function (SIFT, PolyPhen-2, Align-GVGD) all suggest that this variant is likely to be tolerated. In summary, the available evidence is currently insufficient to determine the role of this variant in disease. Therefore, it has been classified as a Variant of Uncertain Significance.

NM_014639.4(SKIC3):c.182G>C (p.Ser61Thr)

Gene: SKIC3 (SKI3 subunit of superkiller complex; minus strand). Cytogenetic location: 5q15.
Variant type: single nucleotide variant.
Coding change: c.182G>C on transcript NM_014639.4 (MANE Select); coding-DNA position 182, G replaced by C.
Protein change: p.Ser61Thr; replaces serine 61 with threonine.
Molecular consequence: missense variant.
Genome position (GRCh38, 1-based): chr5:95,543,236, C>G on the plus strand (G>C on the coding strand, the complement: SKIC3 is on the minus strand). VCF-style: chr5-95543236-C-G. GRCh37 (hg19) VCF-style: chr5-94878940-C-G.
Other names: short protein forms S61T.
Identifiers: ClinVar variation 1366260 (VCV001366260.8), dbSNP rs777513486, ClinGen allele CA360446499.